The following is an entry in ClinVar:

ClinVar aggregate classification (germline): Uncertain significance. Review status: criteria provided, multiple submitters, no conflicts (2 of 4 stars). 2 submissions from 2 submitters: Uncertain significance (2). Last evaluated 2025-03-17.

Allele frequency attached by ClinVar (database versions not stated): gnomAD 0.00001; gnomAD exomes 0.00002; 1000 Genomes Project 30x 0.00031.
gnomAD v4.1: 28 of 1,614,252 alleles (0.0017%); highest among the groups gnomAD compares: Non-Finnish European, 0.0022%; no homozygotes.

Submissions (2):

Labcorp Genetics (formerly Invitae), Labcorp
Classification: Uncertain significance. Last evaluated: 2025-03-17. Review status: criteria provided, single submitter. Criteria: Invitae Variant Classification Sherloc (09022015). Collection method: clinical testing. Allele origin: germline.
Comment: This sequence change replaces histidine, which is basic and polar, with tyrosine, which is neutral and polar, at codon 107 of the PDZD7 protein (p.His107Tyr). This variant is present in population databases (rs768919023, gnomAD 0.007%). This variant has not been reported in the literature in individuals affected with PDZD7-related conditions. ClinVar contains an entry for this variant (Variation ID: 860968). Invitae Evidence Modeling of protein sequence and biophysical properties (such as structural, functional, and spatial information, amino acid conservation, physicochemical variation, residue mobility, and thermodynamic stability) has been performed for this missense variant. However, the output from this modeling did not meet the statistical confidence thresholds required to predict the impact of this variant on PDZD7 protein function. In summary, the available evidence is currently insufficient to determine the role of this variant in disease. Therefore, it has been classified as a Variant of Uncertain Significance.

Revvity Omics, Revvity
Classification: Uncertain significance. Last evaluated: 2020-12-04. Review status: criteria provided, single submitter. Criteria: ACMG Guidelines, 2015. Collection method: clinical testing. Allele origin: germline.

NM_001195263.2(PDZD7):c.319C>T (p.His107Tyr)

Gene: PDZD7 (PDZ domain containing 7; minus strand). Cytogenetic location: 10q24.31.
Variant type: single nucleotide variant.
Coding change: c.319C>T on transcript NM_001195263.2 (MANE Select); coding-DNA position 319, C replaced by T.
Protein change: p.His107Tyr; replaces histidine 107 with tyrosine.
Molecular consequence: missense variant.
Genome position (GRCh38, 1-based): chr10:101,023,976, G>A on the plus strand (C>T on the coding strand, the complement: PDZD7 is on the minus strand). VCF-style: chr10-101023976-G-A. GRCh37 (hg19) VCF-style: chr10-102783733-G-A.
Other names: c.319C>T, p.His107Tyr (NM_001351044.2, NM_024895.5); short protein forms H107Y.
Identifiers: ClinVar variation 860968 (VCV000860968.12), dbSNP rs768919023, ClinGen allele CA212989392.